The following is an entry in ClinVar:

NM_024996.7(GFM1):c.689+611A>G

Gene: GFM1 (G elongation factor mitochondrial 1; plus strand). Cytogenetic location: 3q25.32.
Variant type: single nucleotide variant.
Coding change: c.689+611A>G on transcript NM_024996.7 (MANE Select); 611 bases into the intron after coding-DNA position 689, A replaced by G.
Molecular consequence: intron variant.
Genome position (GRCh38, 1-based): chr3:158,649,768, A>G. VCF-style: chr3-158649768-A-G. GRCh37 (hg19) VCF-style: chr3-158367557-A-G.
Other names: c.690-237A>G (NM_001308164.2, NM_001374355.1); c.464+611A>G (NM_001374357.1); c.573-2328A>G (NM_001374356.1); c.122+611A>G (NM_001374359.1, NM_001374360.1); c.6-2328A>G (NM_001374361.1); c.235-2332A>G (NM_001374358.1); c.689+611A>G (NM_001308166.2).
Identifiers: ClinVar variation 669490 (VCV000669490.2), dbSNP rs73156455, ClinGen allele CA11458539.
Genomic context (GRCh38, chr3:158,649,768, plus strand): 5'-GTGACCTTTACCTACAAAGTACTGTAATTGCCTGGTAGTTATCAAACCTTAGCGTTGTTC[A>G]TAACAATCCCCTGGAGACTTTGTTAAAAGACATAGTCCTGGCTCTACCTCCAGAGATTCT-3'

ClinVar aggregate classification (germline): Benign. Review status: criteria provided, multiple submitters, no conflicts (2 of 4 stars). 2 submissions from 2 submitters: Benign (2). Last evaluated 2018-06-16.

Allele frequency attached by ClinVar (database versions not stated): TOPMed 0.15288; gnomAD 0.15553 and 0.15887; 1000 Genomes Project 30x 0.16521; 1000 Genomes Project 0.16813; gnomAD exomes 0.17408.
gnomAD v4.1: 82,565 of 488,606 alleles (17%); highest among the groups gnomAD compares: South Asian, 22%; 7,452 homozygotes.

Submissions (2):

GeneDx
Classification: Benign. Last evaluated: 2018-06-16. Review status: criteria provided, single submitter. Criteria: GeneDx Variant Classification (06012015). Collection method: clinical testing. Allele origin: germline. Affected: yes.
Comment: This variant is considered likely benign or benign based on one or more of the following criteria: it is a conservative change, it occurs at a poorly conserved position in the protein, it is predicted to be benign by multiple in silico algorithms, and/or has population frequency not consistent with disease.

Breakthrough Genomics
Classification: Benign. Review status: criteria provided, single submitter. Criteria: ACMG Guidelines, 2015. Collection method: not provided. Allele origin: germline. Inheritance: Autosomal recessive inheritance. Affected: yes.